The following is an entry in ClinVar:

ClinVar aggregate classification (germline): Uncertain significance. Review status: criteria provided, multiple submitters, no conflicts (2 of 4 stars). 3 submissions from 3 submitters: Uncertain significance (3). Last evaluated 2024-05-16.

Conditions:
Inborn genetic diseases. Identifiers: MedGen C0950123, MeSH D030342.

Allele frequency attached by ClinVar (database versions not stated): ExAC 0.00001; gnomAD 0.00001; TOPMed 0.00002.

Submissions (3):

Labcorp Genetics (formerly Invitae), Labcorp
Classification: Uncertain significance. Last evaluated: 2024-05-16. Review status: criteria provided, single submitter. Criteria: Invitae Variant Classification Sherloc (09022015). Collection method: clinical testing. Allele origin: germline.
Comment: This sequence change replaces asparagine, which is neutral and polar, with serine, which is neutral and polar, at codon 905 of the SH3PXD2B protein (p.Asn905Ser). This variant is present in population databases (rs774402005, gnomAD 0.006%). This variant has not been reported in the literature in individuals affected with SH3PXD2B-related conditions. ClinVar contains an entry for this variant (Variation ID: 1923327). An algorithm developed to predict the effect of missense changes on protein structure and function (PolyPhen-2) suggests that this variant is likely to be tolerated. In summary, the available evidence is currently insufficient to determine the role of this variant in disease. Therefore, it has been classified as a Variant of Uncertain Significance.

Blueprint Genetics
Classification: Uncertain significance. Last evaluated: 2024-03-14. Review status: criteria provided, single submitter. Criteria: ACMG Guidelines, 2015. Collection method: clinical testing. Allele origin: germline.

Ambry Genetics
Classification: Uncertain significance for Inborn genetic diseases. Last evaluated: 2022-08-08. Review status: criteria provided, single submitter. Criteria: Ambry Variant Classification Scheme 2023. Collection method: clinical testing. Allele origin: germline.

NM_001017995.3(SH3PXD2B):c.2714A>G (p.Asn905Ser)

Gene: SH3PXD2B (SH3 and PX domains 2B; minus strand). Cytogenetic location: 5q35.1.
Variant type: single nucleotide variant.
Coding change: c.2714A>G on transcript NM_001017995.3 (MANE Select); coding-DNA position 2714, A replaced by G.
Protein change: p.Asn905Ser; replaces asparagine 905 with serine.
Molecular consequence: missense variant. On other transcripts: intron variant (1).
Genome position (GRCh38, 1-based): chr5:172,338,391, T>C on the plus strand (A>G on the coding strand, the complement: SH3PXD2B is on the minus strand). VCF-style: chr5-172338391-T-C. GRCh37 (hg19) VCF-style: chr5-171765395-T-C.
Other names: c.1188+7745A>G (NM_001308175.2); short protein forms N905S.
Identifiers: ClinVar variation 1923327 (VCV001923327.7), dbSNP rs774402005, ClinGen allele CA3560905.